The following is an entry in ClinVar:

ClinVar aggregate classification (germline): Conflicting classifications of pathogenicity. Review status: criteria provided, conflicting classifications (1 of 4 stars). 4 submissions from 4 submitters: Uncertain significance (1); Benign (1); Likely benign (2). Last evaluated 2025-10-26.

Conditions:
Noonan syndrome (NS). Also called: Noonan's syndrome. Identifiers: Orphanet 648, MedGen C0028326, MeSH D009634, MONDO:0018997. Disease mechanism: gain of function.
RASopathy. Also called: rasopathies; Noonan spectrum disorder. Identifiers: Orphanet 536391, MedGen C5555857, MONDO:0021060.

Submissions (4):

Labcorp Genetics (formerly Invitae), Labcorp
Classification: Benign for RASopathy. Last evaluated: 2025-10-26. Review status: criteria provided, single submitter. Criteria: Invitae Variant Classification Sherloc (09022015). Collection method: clinical testing. Allele origin: germline.

Women's Health and Genetics/Laboratory Corporation of America, LabCorp
Classification: Likely benign. Last evaluated: 2025-04-28. Review status: criteria provided, single submitter. Criteria: LabCorp Variant Classification Summary - May 2015. Collection method: clinical testing. Allele origin: germline.
Comment: Variant summary: PTPN11 c.15-4delT alters a non-conserved nucleotide located at a position not widely known to affect splicing. Consensus agreement among computation tools predict no significant impact on normal splicing. However, these predictions have yet to be confirmed by functional studies. The variant allele was found at a frequency of 8e-06 in 251230 control chromosomes (gnomAD). The available data on variant occurrences in the general population are insufficient to allow any conclusion about variant significance. To our knowledge, no occurrence of c.15-4delT in individuals affected with Noonan Syndrome/Leopard Syndrome and no experimental evidence demonstrating its impact on protein function have been reported. ClinVar contains an entry for this variant (Variation ID: 620622). Based on the evidence outlined above, the variant was classified as likely benign.

GeneDx
Classification: Likely benign. Last evaluated: 2025-01-09. Review status: criteria provided, single submitter. Criteria: GeneDx Variant Classification Process June 2021. Collection method: clinical testing. Allele origin: germline. Affected: yes.
Comment: See Variant Classification Assertion Criteria.

St. Jude Molecular Pathology, St. Jude Children's Research Hospital
Classification: Uncertain significance for Noonan syndrome. Last evaluated: 2020-09-22. Review status: criteria provided, single submitter. Criteria: St. Jude Assertion Criteria 2020. Collection method: clinical testing. Allele origin: germline.

NM_002834.5(PTPN11):c.15-4del

Gene: PTPN11 (protein tyrosine phosphatase non-receptor type 11; plus strand). Cytogenetic location: 12q24.13.
Variant type: Deletion.
Coding change: c.15-4del on transcript NM_002834.5 (MANE Select); 4 bases into the intron before coding-DNA position 15, one base deleted (T; older notation c.15-4delT).
Molecular consequence: intron variant.
Genome position (GRCh38, 1-based): chr12:112,446,272, T deleted; the last of 5 consecutive T bases (chr12:112,446,268-112,446,272); deleting any one gives the same sequence. VCF-style (leftmost placement, unchanged base first): chr12-112446267-CT-C. GRCh37 (hg19) VCF-style: chr12-112884071-CT-C.
Other names: c.15-4del (NM_001330437.2, NM_001374625.1, NM_080601.3); c.15-4delT (NM_002834.5, NM_002834.4).
Identifiers: ClinVar variation 620622 (VCV000620622.16), dbSNP rs1223869705, ClinGen allele CA607376026.